The following is an entry in ClinVar:

ClinVar aggregate classification (germline): Uncertain significance (1 of 4 stars; one submission).

Allele frequency attached by ClinVar (database versions not stated): gnomAD 0.00001.

Submission:

Labcorp Genetics (formerly Invitae), Labcorp
Classification: Uncertain significance. Last evaluated: 2022-10-21. Review status: criteria provided, single submitter. Criteria: Invitae Variant Classification Sherloc (09022015). Collection method: clinical testing. Allele origin: germline.
Comment: This variant is not present in population databases (gnomAD no frequency). This sequence change creates a premature translational stop signal (p.Gln209*) in the DVL1 gene. It is expected to result in an absent or disrupted protein product. However, the current clinical and genetic evidence is not sufficient to establish whether loss-of-function variants in DVL1 cause disease. This variant has not been reported in the literature in individuals affected with DVL1-related conditions. In summary, the available evidence is currently insufficient to determine the role of this variant in disease. Therefore, it has been classified as a Variant of Uncertain Significance.

NM_001330311.2(DVL1):c.625C>T (p.Gln209Ter)

Gene: DVL1 (dishevelled segment polarity protein 1; minus strand). Cytogenetic location: 1p36.33.
Variant type: single nucleotide variant.
Coding change: c.625C>T on transcript NM_001330311.2 (MANE Select); coding-DNA position 625, C replaced by T.
Protein change: p.Gln209Ter; replaces glutamine 209 with a stop codon.
Molecular consequence: nonsense.
Genome position (GRCh38, 1-based): chr1:1,340,484, G>A on the plus strand (C>T on the coding strand, the complement: DVL1 is on the minus strand). VCF-style: chr1-1340484-G-A. GRCh37 (hg19) VCF-style: chr1-1275864-G-A.
Other names: c.625C>T, p.Gln209Ter (NM_004421.3); short protein forms Q209*.
Identifiers: ClinVar variation 2026807 (VCV002026807.4), dbSNP rs1643758983, ClinGen allele CA337872166.